The following is an entry in ClinVar:

ClinVar aggregate classification (germline): Uncertain significance. Review status: criteria provided, multiple submitters, no conflicts (2 of 4 stars). 3 submissions from 3 submitters: Uncertain significance (3). Last evaluated 2026-02-03.

Conditions:
Dyskeratosis congenita. Identifiers: Orphanet 1775, MedGen C0265965, MONDO:0015780.
Idiopathic Pulmonary Fibrosis. Also called: Idiopathic fibrosing alveolitis, chronic form; idiopathic fibrosing alveolitis. Identifiers: Orphanet 2032, MedGen C1800706, MeSH D054990, MONDO:0800504.
Dyskeratosis congenita, autosomal dominant 2. Identifiers: MedGen C3151443, MONDO:0013521, OMIM 613989.
Hereditary cancer-predisposing syndrome. Also called: Neoplastic Syndromes, Hereditary; Hereditary neoplastic syndrome; Tumor predisposition; Hereditary Cancer Syndrome. Identifiers: Orphanet 140162, MedGen C0027672, MeSH D009386, MONDO:0015356.

Allele frequency attached by ClinVar (database versions not stated): gnomAD exomes below 0.00001.
gnomAD v4.1: 1 of 1,614,124 alleles (0.000062%); highest among the groups gnomAD compares: South Asian, 0.0011%; no homozygotes.

Submissions (3):

Ambry Genetics
Classification: Uncertain significance for Dyskeratosis congenita. Last evaluated: 2026-02-03. Review status: criteria provided, single submitter. Criteria: Ambry Variant Classification Scheme 2023. Collection method: clinical testing. Allele origin: germline.
Comment: The p.R537H variant (also known as c.1610G>A), located in coding exon 3 of the TERT gene, results from a G to A substitution at nucleotide position 1610. The arginine at codon 537 is replaced by histidine, an amino acid with highly similar properties. This amino acid position is highly conserved in available vertebrate species. In addition, the in silico prediction for this alteration is inconclusive. Based on the available evidence, the clinical significance of this variant remains unclear.

Labcorp Genetics (formerly Invitae), Labcorp
Classification: Uncertain significance for Dyskeratosis congenita, autosomal dominant 2; Idiopathic Pulmonary Fibrosis. Last evaluated: 2025-06-03. Review status: criteria provided, single submitter. Criteria: Invitae Variant Classification Sherloc (09022015). Collection method: clinical testing. Allele origin: germline.
Comment: This sequence change replaces arginine, which is basic and polar, with histidine, which is basic and polar, at codon 537 of the TERT protein (p.Arg537His). This variant is present in population databases (no rsID available, gnomAD 0.003%). This variant has not been reported in the literature in individuals affected with TERT-related conditions. ClinVar contains an entry for this variant (Variation ID: 584656). Invitae Evidence Modeling of protein sequence and biophysical properties (such as structural, functional, and spatial information, amino acid conservation, physicochemical variation, residue mobility, and thermodynamic stability) indicates that this missense variant is expected to disrupt TERT protein function with a positive predictive value of 95%. In summary, the available evidence is currently insufficient to determine the role of this variant in disease. Therefore, it has been classified as a Variant of Uncertain Significance.

Mendelics
Classification: Uncertain significance for Hereditary Cancer Syndrome. Last evaluated: 2018-07-02. Review status: criteria provided, single submitter. Criteria: Mendelics Assertion Criteria 2017. Collection method: clinical testing. Allele origin: unknown.

NM_198253.3(TERT):c.1610G>A (p.Arg537His)

Gene: TERT (telomerase reverse transcriptase; minus strand). Cytogenetic location: 5p15.33.
Variant type: single nucleotide variant.
Coding change: c.1610G>A on transcript NM_198253.3 (MANE Select); coding-DNA position 1610, G replaced by A.
Protein change: p.Arg537His; replaces arginine 537 with histidine.
Molecular consequence: missense variant. On other transcripts: non-coding transcript variant (2).
Genome position (GRCh38, 1-based): chr5:1,282,588, C>T on the plus strand (G>A on the coding strand, the complement: TERT is on the minus strand). VCF-style: chr5-1282588-C-T. GRCh37 (hg19) VCF-style: chr5-1282703-C-T.
Other names: c.1610G>A, p.Arg537His (NM_001193376.3); c.1610G>A (NM_198253.2); short protein forms R537H.
Identifiers: ClinVar variation 584656 (VCV000584656.12), dbSNP rs1272053273, ClinGen allele CA359083487.